The following is an entry in ClinVar:

ClinVar aggregate classification (germline): Uncertain significance (1 of 4 stars; one submission).

Conditions:
Deficiency of aromatic-L-amino-acid decarboxylase. Also called: AADC DEFICIENCY; Aromatic L-Amino Acid Decarboxylase Deficiency; DDC DEFICIENCY; DOPA DECARBOXYLASE DEFICIENCY; Aromatic amino acid decarboxylase deficiency. Identifiers: Orphanet 35708, MedGen C1291564, MONDO:0012084, OMIM 608643.

gnomAD v4.1: 1 of 1,614,236 alleles (0.000062%); highest among the groups gnomAD compares: Non-Finnish European, 0.000085%; no homozygotes.

Submission:

Labcorp Genetics (formerly Invitae), Labcorp
Classification: Uncertain significance for Deficiency of aromatic-L-amino-acid decarboxylase. Last evaluated: 2022-07-25. Review status: criteria provided, single submitter. Criteria: Invitae Variant Classification Sherloc (09022015). Collection method: clinical testing. Allele origin: germline.
Comment: In summary, the available evidence is currently insufficient to determine the role of this variant in disease. Therefore, it has been classified as a Variant of Uncertain Significance. This variant disrupts the p.Arg447 amino acid residue in DDC. Other variant(s) that disrupt this residue have been determined to be pathogenic (PMID: 17240182, 32409695). This suggests that this residue is clinically significant, and that variants that disrupt this residue are likely to be disease-causing. Algorithms developed to predict the effect of missense changes on protein structure and function (SIFT, PolyPhen-2, Align-GVGD) all suggest that this variant is likely to be disruptive. This variant has not been reported in the literature in individuals affected with DDC-related conditions. This variant is present in population databases (no rsID available, gnomAD 0.0009%). This sequence change replaces arginine, which is basic and polar, with serine, which is neutral and polar, at codon 447 of the DDC protein (p.Arg447Ser).

Literature cited by the submitters: PubMed 17240182; PubMed 32409695.

NM_001082971.2(DDC):c.1339C>A (p.Arg447Ser)

Gene: DDC (dopa decarboxylase; minus strand). Cytogenetic location: 7p12.2.
Variant type: single nucleotide variant.
Coding change: c.1339C>A on transcript NM_001082971.2 (MANE Select); coding-DNA position 1339, C replaced by A.
Protein change: p.Arg447Ser; replaces arginine 447 with serine.
Molecular consequence: missense variant.
Genome position (GRCh38, 1-based): chr7:50,463,335, G>T on the plus strand (C>A on the coding strand, the complement: DDC is on the minus strand). VCF-style: chr7-50463335-G-T. GRCh37 (hg19) VCF-style: chr7-50531033-G-T.
Other names: c.1339C>A, p.Arg447Ser (NM_000790.4); c.1225C>A, p.Arg409Ser (NM_001242886.2); c.1195C>A, p.Arg399Ser (NM_001242887.2); c.1105C>A, p.Arg369Ser (NM_001242888.2); c.1060C>A, p.Arg354Ser (NM_001242889.2); short protein forms R399S, R409S, R354S, R369S, R447S.
Identifiers: ClinVar variation 2019725 (VCV002019725.4), dbSNP rs775312348, ClinGen allele CA367527799.
Genomic context (GRCh38, chr7:50,463,335, plus strand): 5'-TGTGTTCCCAGGCCCGCTGCACATGGGCAGATTCCACCGTGCGAGAACAGATGGCAAAGC[G>T]CAGGACAAACTTGTCCCTGAGGTGACATGGAACCAAGTGGATTTTTTTGGCACTGTTTAT-3'
Protein context (NP_001076440.2, residues 437-457): PCHLRDKFVL[Arg447Ser]FAICSRTVES